The following is an entry in ClinVar:

ClinVar aggregate classification (germline): Uncertain significance (1 of 4 stars; one submission).

Conditions:
Hypertrophic cardiomyopathy. Also called: HYPERTROPHIC MYOCARDIOPATHY. Identifiers: Orphanet 217569, MedGen C0007194, MeSH D002312, MONDO:0005045, HP:0001639.

gnomAD v4.1: 1 of 1,550,632 alleles (0.000064%); highest among the groups gnomAD compares: East Asian, 0.0024%; no homozygotes.

Submission:

Labcorp Genetics (formerly Invitae), Labcorp
Classification: Uncertain significance for Hypertrophic cardiomyopathy. Last evaluated: 2023-01-15. Review status: criteria provided, single submitter. Criteria: Invitae Variant Classification Sherloc (09022015). Collection method: clinical testing. Allele origin: germline.
Comment: In summary, the available evidence is currently insufficient to determine the role of this variant in disease. Therefore, it has been classified as a Variant of Uncertain Significance. Algorithms developed to predict the effect of sequence changes on RNA splicing suggest that this variant may disrupt the consensus splice site. This variant has not been reported in the literature in individuals affected with MYBPC3-related conditions. This variant is not present in population databases (gnomAD no frequency). This sequence change falls in intron 3 of the MYBPC3 gene. It does not directly change the encoded amino acid sequence of the MYBPC3 protein.

NM_000256.3(MYBPC3):c.407-14G>C

Gene: MYBPC3 (myosin binding protein C3; minus strand). Cytogenetic location: 11p11.2.
Variant type: single nucleotide variant.
Coding change: c.407-14G>C on transcript NM_000256.3 (MANE Select); 14 bases into the intron before coding-DNA position 407, G replaced by C.
Molecular consequence: intron variant.
Genome position (GRCh38, 1-based): chr11:47,350,126, C>G on the plus strand (G>C on the coding strand, the complement: MYBPC3 is on the minus strand). VCF-style: chr11-47350126-C-G. GRCh37 (hg19) VCF-style: chr11-47371677-C-G.
Identifiers: ClinVar variation 2907085 (VCV002907085.3), dbSNP rs1565631185, ClinGen allele CA1969341950.